The following is an entry in ClinVar:

NM_001818.5(AKR1C4):c.490G>A (p.Gly164Arg)

Gene: AKR1C4 (aldo-keto reductase family 1 member C4; plus strand). Cytogenetic location: 10p15.1.
Variant type: single nucleotide variant.
Coding change: c.490G>A on transcript NM_001818.5 (MANE Select); coding-DNA position 490, G replaced by A.
Protein change: p.Gly164Arg; replaces glycine 164 with arginine.
Molecular consequence: missense variant.
Genome position (GRCh38, 1-based): chr10:5,206,317, G>A. VCF-style: chr10-5206317-G-A. GRCh37 (hg19) VCF-style: chr10-5248280-G-A.
Other names: c.490G>A (NM_001818.3); short protein forms G164R.
Identifiers: ClinVar variation 2148265 (VCV002148265.5), dbSNP rs374502554, ClinGen allele CA5391480.
Genomic context (GRCh38, chr10:5,206,317, plus strand): 5'-CAACCCCTTTCTCCCCAGGTCATGGAGAAGTGTAAGGATGCAGGATTGGCCAAGTCCATC[G>A]GGGTGTCAAACTTCAACTGCAGGCAGCTGGAGATGATCCTCAACAAGCCAGGACTCAAGT-3'
Protein context (NP_001809.4, residues 154-174): CKDAGLAKSI[Gly164Arg]VSNFNCRQLE

ClinVar aggregate classification (germline): Uncertain significance. Review status: criteria provided, multiple submitters, no conflicts (2 of 4 stars). 2 submissions from 2 submitters: Uncertain significance (2). Last evaluated 2026-01-18.

Allele frequency attached by ClinVar (database versions not stated): ExAC 0.00010; gnomAD exomes 0.00010; gnomAD 0.00011; TOPMed 0.00015; ESP Exome Variant Server 0.00023.
gnomAD v4.1: 156 of 1,613,904 alleles (0.0097%); highest among the groups gnomAD compares: Admixed American, 0.013%; no homozygotes.

Submissions (2):

Labcorp Genetics (formerly Invitae), Labcorp
Classification: Uncertain significance. Last evaluated: 2026-01-18. Review status: criteria provided, single submitter. Criteria: Invitae Variant Classification Sherloc (09022015). Collection method: clinical testing. Allele origin: germline.
Comment: This sequence change replaces glycine, which is neutral and non-polar, with arginine, which is basic and polar, at codon 164 of the AKR1C4 protein (p.Gly164Arg). This variant is present in population databases (rs374502554, gnomAD 0.01%). This variant has not been reported in the literature in individuals affected with AKR1C4-related conditions. ClinVar contains an entry for this variant (Variation ID: 2148265). Invitae Evidence Modeling of protein sequence and biophysical properties (such as structural, functional, and spatial information, amino acid conservation, physicochemical variation, residue mobility, and thermodynamic stability) indicates that this missense variant is expected to disrupt AKR1C4 protein function with a positive predictive value of 80%. In summary, the available evidence is currently insufficient to determine the role of this variant in disease. Therefore, it has been classified as a Variant of Uncertain Significance.

Ambry Genetics
Classification: Uncertain significance. Last evaluated: 2021-08-09. Review status: criteria provided, single submitter. Criteria: Ambry Variant Classification Scheme 2023. Collection method: clinical testing. Allele origin: germline.